The following is an entry in ClinVar:

ClinVar aggregate classification (germline): Uncertain significance (1 of 4 stars; one submission).

Allele frequency attached by ClinVar (database versions not stated): gnomAD exomes below 0.00001.
gnomAD v4.1: 1 of 1,614,036 alleles (0.000062%); highest among the groups gnomAD compares: Non-Finnish European, 0.000085%; no homozygotes.

Submission:

Ambry Genetics
Classification: Uncertain significance. Last evaluated: 2023-04-03. Review status: criteria provided, single submitter. Criteria: Ambry Variant Classification Scheme 2023. Collection method: clinical testing. Allele origin: germline.
Comment: The p.S13Y variant (also known as c.38C>A), located in coding exon 1 of the PALLD gene, results from a C to A substitution at nucleotide position 38. The serine at codon 13 is replaced by tyrosine, an amino acid with dissimilar properties. This amino acid position is conserved. In addition, this alteration is predicted to be tolerated by in silico analysis. Since supporting evidence is limited at this time, the clinical significance of this alteration remains unclear.

NM_001166108.2(PALLD):c.38C>A (p.Ser13Tyr)

Gene: PALLD (palladin, cytoskeletal associated protein; plus strand). Cytogenetic location: 4q32.3.
Variant type: single nucleotide variant.
Coding change: c.38C>A on transcript NM_001166108.2 (MANE Select); coding-DNA position 38, C replaced by A.
Protein change: p.Ser13Tyr; replaces serine 13 with tyrosine.
Molecular consequence: missense variant.
Genome position (GRCh38, 1-based): chr4:168,511,542, C>A. VCF-style: chr4-168511542-C-A. GRCh37 (hg19) VCF-style: chr4-169432693-C-A.
Other names: c.38C>A, p.Ser13Tyr (NM_016081.4); short protein forms S13Y.
Identifiers: ClinVar variation 2563393 (VCV002563393.2), dbSNP rs2531427111, ClinGen allele CA358724049.
Genomic context (GRCh38, chr4:168,511,542, plus strand): 5'-GAGTGCATGAAGACCGTTCAAATATGTCAGGGACCTCCTCCCATGAGTCCTTCTATGACT[C>A]CCTCTCAGACATGCAGGAAGAAAGCAAGAATACTGACTTCTTCCCGGGCCTTTCTGCTTT-3'
Protein context (NP_001159580.1, residues 3-23): GTSSHESFYD[Ser13Tyr]LSDMQEESKN